The following is an entry in ClinVar:

NM_001379610.1(SPINK1):c.79G>A (p.Gly27Arg)

Gene: SPINK1 (serine peptidase inhibitor Kazal type 1; minus strand). Cytogenetic location: 5q32.
Variant type: single nucleotide variant.
Coding change: c.79G>A on transcript NM_001379610.1 (MANE Select); coding-DNA position 79, G replaced by A.
Protein change: p.Gly27Arg; replaces glycine 27 with arginine.
Molecular consequence: missense variant.
Genome position (GRCh38, 1-based): chr5:147,829,607, C>T on the plus strand (G>A on the coding strand, the complement: SPINK1 is on the minus strand). VCF-style: chr5-147829607-C-T. GRCh37 (hg19) VCF-style: chr5-147209170-C-T.
Other names: c.79G>A, p.Gly27Arg (NM_001354966.2, NM_003122.5); short protein forms G27R.
Identifiers: ClinVar variation 4560838 (VCV004560838.1).

ClinVar aggregate classification (germline): Uncertain significance (1 of 4 stars; one submission).

Conditions:
Hereditary pancreatitis (PCTT). Also called: Hereditary chronic pancreatitis; PRSS1-Related Hereditary Pancreatitis. Identifiers: Orphanet 676, MedGen C0238339, MONDO:0008185, OMIM 167800.

gnomAD v4.1: 1 of 1,612,630 alleles (0.000062%); highest among the groups gnomAD compares: Non-Finnish European, 0.000085%; no homozygotes.

Submission:

Ambry Genetics
Classification: Uncertain significance for Hereditary pancreatitis. Last evaluated: 2025-12-08. Review status: criteria provided, single submitter. Criteria: Ambry Variant Classification Scheme 2023. Collection method: clinical testing. Allele origin: germline.
Comment: The p.G27R variant (also known as c.79G>A), located in coding exon 2 of the SPINK1 gene, results from a G to A substitution at nucleotide position 79. The glycine at codon 27 is replaced by arginine, an amino acid with dissimilar properties. This amino acid position is not well conserved in available vertebrate species. In addition, this alteration is predicted to be tolerated by in silico analysis. Based on the available evidence, the clinical significance of this variant remains unclear.